The following is an entry in ClinVar:

ClinVar aggregate classification (germline): Uncertain significance (1 of 4 stars; one submission).

Conditions:
Hereditary cancer-predisposing syndrome. Also called: Neoplastic Syndromes, Hereditary; Tumor predisposition; Hereditary neoplastic syndrome; Hereditary Cancer Syndrome. Identifiers: Orphanet 140162, MedGen C0027672, MeSH D009386, MONDO:0015356.
Cardiovascular phenotype. Identifiers: MedGen CN230736.

Submission:

Ambry Genetics
Classification: Uncertain significance for Cardiovascular phenotype; Hereditary cancer-predisposing syndrome. Last evaluated: 2023-07-21. Review status: criteria provided, single submitter. Criteria: Ambry Variant Classification Scheme 2023. Collection method: clinical testing. Allele origin: germline.
Comment: The p.D779V variant (also known as c.2336A>T), located in coding exon 20 of the NF1 gene, results from an A to T substitution at nucleotide position 2336. The aspartic acid at codon 779 is replaced by valine, an amino acid with highly dissimilar properties. This amino acid position is highly conserved in available vertebrate species. In addition, this alteration is predicted to be deleterious by in silico analysis. Since supporting evidence is limited at this time, the clinical significance of this alteration remains unclear.

NM_001042492.3(NF1):c.2336A>T (p.Asp779Val)

Gene: NF1 (neurofibromin 1; plus strand). Cytogenetic location: 17q11.2.
Variant type: single nucleotide variant.
Coding change: c.2336A>T on transcript NM_001042492.3 (MANE Select); coding-DNA position 2336, A replaced by T.
Protein change: p.Asp779Val; replaces aspartic acid 779 with valine.
Molecular consequence: missense variant.
Genome position (GRCh38, 1-based): chr17:31,227,533, A>T. VCF-style: chr17-31227533-A-T. GRCh37 (hg19) VCF-style: chr17-29554551-A-T.
Other names: c.2336A>T, p.Asp779Val (NM_000267.4); short protein forms D779V.
Identifiers: ClinVar variation 3237677 (VCV003237677.1), dbSNP rs2151427454.